The following is an entry in ClinVar:

NM_006379.5(SEMA3C):c.1536C>T (p.His512=)

Gene: SEMA3C (semaphorin 3C; minus strand). Cytogenetic location: 7q21.11.
Variant type: single nucleotide variant.
Coding change: c.1536C>T on transcript NM_006379.5 (MANE Select); coding-DNA position 1536, C replaced by T.
Protein change: p.His512=; no amino-acid change (histidine 512 retained).
Molecular consequence: synonymous variant.
Genome position (GRCh38, 1-based): chr7:80,758,438, G>A on the plus strand (C>T on the coding strand, the complement: SEMA3C is on the minus strand). VCF-style: chr7-80758438-G-A. GRCh37 (hg19) VCF-style: chr7-80387754-G-A.
Other names: c.1590C>T, p.His530= (NM_001350120.2); c.1362C>T, p.His454= (NM_001350121.2).
Identifiers: ClinVar variation 4983284 (VCV004983284.1).

ClinVar aggregate classification (germline): Likely benign (1 of 4 stars; one submission).

Conditions:
SEMA3C-related disorder. Also called: SEMA3C-related condition.

gnomAD v4.1: 17 of 1,613,878 alleles (0.0011%); highest among the groups gnomAD compares: Non-Finnish European, 0.00093%; no homozygotes.

Submission:

PreventionGenetics, part of Exact Sciences
Classification: Likely benign for SEMA3C-related condition. Last evaluated: 2025-12-18. Review status: criteria provided, single submitter. Criteria: ACMG Guidelines, 2015. Collection method: clinical testing. Allele origin: germline.
Comment: This variant is classified as likely benign based on ACMG/AMP sequence variant interpretation guidelines (Richards et al. 2015 PMID: 25741868, with internal and published modifications).